The following is an entry in ClinVar:

NM_006662.3(SRCAP):c.7679C>T (p.Ser2560Phe)

Gene: SRCAP (Snf2 related CREBBP activator protein; plus strand). Cytogenetic location: 16p11.2.
Variant type: single nucleotide variant.
Coding change: c.7679C>T on transcript NM_006662.3 (MANE Select); coding-DNA position 7679, C replaced by T.
Protein change: p.Ser2560Phe; replaces serine 2560 with phenylalanine.
Molecular consequence: missense variant.
Genome position (GRCh38, 1-based): chr16:30,737,719, C>T. VCF-style: chr16-30737719-C-T. GRCh37 (hg19) VCF-style: chr16-30749040-C-T.
Other names: short protein forms S2560F.
Identifiers: ClinVar variation 4887374 (VCV004887374.1).
Genomic context (GRCh38, chr16:30,737,719, plus strand): 5'-TCACTAATCTCCCCTTGGGCTTGAGGCCTGAGGCAGAGCTGTGTGCCCAGGCATTGGCAT[C>T]TCCAGAGTCCCTGGAGCTGGCTTCTGTGGCCAGTTCAGAAACCTCCTCACTTTCTCTTGT-3'
Protein context (NP_006653.2, residues 2550-2570): EAELCAQALA[Ser2560Phe]PESLELASVA

ClinVar aggregate classification (germline): Uncertain significance (1 of 4 stars; one submission).

gnomAD v4.1: 2 of 1,614,114 alleles (0.00012%); highest among the groups gnomAD compares: African/African-American, 0.0013%; no homozygotes.

Submission:

Women's Health and Genetics/Laboratory Corporation of America, LabCorp
Classification: Uncertain significance. Last evaluated: 2026-06-10. Review status: criteria provided, single submitter. Criteria: LabCorp Variant Classification Summary - May 2015. Collection method: clinical testing. Allele origin: germline.
Comment: Variant summary: SRCAP c.7679C>T (p.Ser2560Phe) results in a non-conservative amino acid change in the encoded protein sequence. Algorithms developed to predict the effect of missense changes on protein structure and function are either unavailable or do not agree on the potential impact of this missense change. The variant was absent in 251448 control chromosomes. The available data on variant occurrences in the general population are insufficient to allow any conclusion about variant significance. To our knowledge, no occurrence of c.7679C>T in individuals affected with SRCAP-related conditions and no experimental evidence demonstrating its impact on protein function have been reported. No submitters have cited clinical-significance assessments for this variant to ClinVar. Based on the evidence outlined above, the variant was classified as uncertain significance.